The following is an entry in ClinVar:

NM_018052.5(VAC14):c.492T>C (p.Ile164=)

Gene: VAC14 (VAC14 component of PIKFYVE complex; minus strand). Cytogenetic location: 16q22.1.
Variant type: single nucleotide variant.
Coding change: c.492T>C on transcript NM_018052.5 (MANE Select); coding-DNA position 492, T replaced by C.
Protein change: p.Ile164=; no amino-acid change (isoleucine 164 retained).
Molecular consequence: synonymous variant. On other transcripts: 5 prime UTR variant (1).
Genome position (GRCh38, 1-based): chr16:70,784,215, A>G on the plus strand (T>C on the coding strand, the complement: VAC14 is on the minus strand). VCF-style: chr16-70784215-A-G. GRCh37 (hg19) VCF-style: chr16-70818118-A-G.
Other names: c.-211T>C (NM_001351157.2).
Identifiers: ClinVar variation 755759 (VCV000755759.34), dbSNP rs113251587, ClinGen allele CA8148047.
Genomic context (GRCh38, chr16:70,784,215, plus strand): 5'-AATCCTCTCTCGCAACAAGGGGATGAAGCTCACCAGGTCAAACTTGTTGCTCTCAGTCAC[A>G]ATGTCCTGTGGATCAGAGGAAAGTGAGCTGCCGAGAGCCCGAGACCAGGGCTGCCTGACC-3'
Protein context (NP_060522.3, residues 154-174): SELLDRLLKD[Ile164=]VTESNKFDLV

ClinVar aggregate classification (germline): Likely benign. Review status: criteria provided, multiple submitters, no conflicts (2 of 4 stars). 3 submissions from 3 submitters: Likely benign (2). 1 of the submissions does not count toward it. Last evaluated 2025-11-18.

Conditions:
VAC14-related disorder. Also called: VAC14-related condition.

Allele frequency attached by ClinVar (database versions not stated): gnomAD exomes 0.00009 and 0.00012; ExAC 0.00011; 1000 Genomes Project 30x 0.00016; 1000 Genomes Project 0.00020; gnomAD 0.00025 and 0.00028; TOPMed 0.00029; ESP Exome Variant Server 0.00038.
gnomAD v4.1: 181 of 1,614,052 alleles (0.011%); highest among the groups gnomAD compares: Middle Eastern, 0.17%; no homozygotes.

Submissions (3):

Labcorp Genetics (formerly Invitae), Labcorp
Classification: Likely benign. Last evaluated: 2025-11-18. Review status: criteria provided, single submitter. Criteria: Invitae Variant Classification Sherloc (09022015). Collection method: clinical testing. Allele origin: germline.

CeGaT Center for Human Genetics Tuebingen
Classification: Likely benign. Last evaluated: 2022-06-01. Review status: criteria provided, single submitter. Criteria: CeGaT Center For Human Genetics Tuebingen Variant Classification Criteria Version 2. Collection method: clinical testing. Allele origin: germline. Affected: yes. Observed: 1 variant allele.
Comment: VAC14: BP4, BP7

PreventionGenetics, part of Exact Sciences
Classification: Likely benign for VAC14-related condition. Last evaluated: 2019-02-20. Review status: no assertion criteria provided. Collection method: clinical testing. Allele origin: germline. Not counted in ClinVar's aggregate classification.
Comment: This variant is classified as likely benign based on ACMG/AMP sequence variant interpretation guidelines (Richards et al. 2015 PMID: 25741868, with internal and published modifications).